The following is an entry in ClinVar:

NM_001278293.3(ARL6):c.143T>A (p.Leu48His)

Gene: ARL6 (ARF like GTPase 6; plus strand). Cytogenetic location: 3q11.2.
Variant type: single nucleotide variant.
Coding change: c.143T>A on transcript NM_001278293.3 (MANE Select); coding-DNA position 143, T replaced by A.
Protein change: p.Leu48His; replaces leucine 48 with histidine.
Molecular consequence: missense variant. On other transcripts: non-coding transcript variant (7).
Genome position (GRCh38, 1-based): chr3:97,780,178, T>A. VCF-style: chr3-97780178-T-A. GRCh37 (hg19) VCF-style: chr3-97499022-T-A.
Other names: c.143T>A, p.Leu48His (NM_001323513.2, NM_001323514.2, NM_032146.5 and 1 more transcripts); short protein forms L48H.
Identifiers: ClinVar variation 1517164 (VCV001517164.9), dbSNP rs895572972, ClinGen allele CA79492115.

ClinVar aggregate classification (germline): Uncertain significance. Review status: criteria provided, multiple submitters, no conflicts (2 of 4 stars). 4 submissions from 4 submitters: Uncertain significance (3). 1 of the submissions does not count toward it. Last evaluated 2026-01-05.

Conditions:
Bardet-Biedl syndrome 3 (BBS3). Identifiers: Orphanet 110, MedGen C1859564, MONDO:0010832, OMIM 600151.
Bardet-Biedl syndrome 1 (BBS1). Identifiers: MedGen C2936862, MONDO:0008854, OMIM 209900. Disease mechanism: loss of function.
Retinitis pigmentosa (RP). Identifiers: Orphanet 791, MedGen C0035334, MeSH D012174, MONDO:0019200, OMIM 268000. Inheritance: Autosomal dominant, autosomal recessive and X linked inheritance.
Retinitis pigmentosa 55 (RP55). Identifiers: Orphanet 791, MedGen C3150808, MONDO:0013312, OMIM 613575.
ARL6-related disorder. Also called: ARL6-related condition.

Allele frequency attached by ClinVar (database versions not stated): gnomAD exomes below 0.00001; TOPMed below 0.00001.
gnomAD v4.1: 7 of 1,613,100 alleles (0.00043%); highest among the groups gnomAD compares: East Asian, 0.0022%; no homozygotes.

Submissions (4):

Labcorp Genetics (formerly Invitae), Labcorp
Classification: Uncertain significance for Retinitis pigmentosa 55; Bardet-Biedl syndrome 3. Last evaluated: 2026-01-05. Review status: criteria provided, single submitter. Criteria: Invitae Variant Classification Sherloc (09022015). Collection method: clinical testing. Allele origin: germline.
Comment: This sequence change replaces leucine, which is neutral and non-polar, with histidine, which is basic and polar, at codon 48 of the ARL6 protein (p.Leu48His). This variant is present in population databases (no rsID available, gnomAD 0.006%). This variant has not been reported in the literature in individuals affected with ARL6-related conditions. ClinVar contains an entry for this variant (Variation ID: 1517164). An algorithm developed to predict the effect of missense changes on protein structure and function (PolyPhen-2) suggests that this variant is likely to be tolerated. In summary, the available evidence is currently insufficient to determine the role of this variant in disease. Therefore, it has been classified as a Variant of Uncertain Significance.

Blueprint Genetics
Classification: Uncertain significance. Last evaluated: 2024-10-08. Review status: criteria provided, single submitter. Criteria: ACMG Guidelines, 2015. Collection method: clinical testing. Allele origin: germline.

Fulgent Genetics
Classification: Uncertain significance for Bardet-Biedl syndrome 1; Retinitis pigmentosa; Bardet-Biedl syndrome 3; Retinitis pigmentosa 55. Last evaluated: 2022-04-11. Review status: criteria provided, single submitter. Criteria: ACMG Guidelines, 2015. Collection method: clinical testing. Allele origin: unknown.

PreventionGenetics, part of Exact Sciences
Classification: Uncertain significance for ARL6-related condition. Last evaluated: 2024-08-08. Review status: no assertion criteria provided. Collection method: clinical testing. Allele origin: germline. Not counted in ClinVar's aggregate classification.
Comment: The ARL6 c.143T>A variant is predicted to result in the amino acid substitution p.Leu48His. To our knowledge, this variant has not been reported in the literature. This variant is absent from the seven main population groups in gnomAD. At this time, the clinical significance of this variant is uncertain due to the absence of conclusive functional and genetic evidence.